The following is an entry in ClinVar:

ClinVar aggregate classification (germline): Uncertain significance (1 of 4 stars; one submission).

gnomAD v4.1: 1 of 1,613,686 alleles (0.000062%); highest among the groups gnomAD compares: Non-Finnish European, 0.000085%; no homozygotes.

Submission:

Labcorp Genetics (formerly Invitae), Labcorp
Classification: Uncertain significance. Last evaluated: 2025-04-09. Review status: criteria provided, single submitter. Criteria: Invitae Variant Classification Sherloc (09022015). Collection method: clinical testing. Allele origin: germline.
Comment: This sequence change replaces glycine, which is neutral and non-polar, with valine, which is neutral and non-polar, at codon 329 of the RP1 protein (p.Gly329Val). The frequency data for this variant in the population databases is considered unreliable, as metrics indicate poor data quality at this position in the gnomAD database. This variant has not been reported in the literature in individuals affected with RP1-related conditions. ClinVar contains an entry for this variant (Variation ID: 1022441). An algorithm developed to predict the effect of missense changes on protein structure and function (PolyPhen-2) suggests that this variant is likely to be disruptive. In summary, the available evidence is currently insufficient to determine the role of this variant in disease. Therefore, it has been classified as a Variant of Uncertain Significance.

NM_006269.2(RP1):c.986G>T (p.Gly329Val)

Gene: RP1 (RP1 axonemal microtubule associated; plus strand). Cytogenetic location: 8q12.1.
Variant type: single nucleotide variant.
Coding change: c.986G>T on transcript NM_006269.2 (MANE Select); coding-DNA position 986, G replaced by T.
Protein change: p.Gly329Val; replaces glycine 329 with valine.
Molecular consequence: missense variant. On other transcripts: intron variant (1).
Genome position (GRCh38, 1-based): chr8:54,624,868, G>T. VCF-style: chr8-54624868-G-T. GRCh37 (hg19) VCF-style: chr8-55537428-G-T.
Other names: c.787+2580G>T (NM_001375654.1); short protein forms G329V.
Identifiers: ClinVar variation 1022441 (VCV001022441.8), dbSNP rs1229278794, ClinGen allele CA370989034.